The following is an entry in ClinVar:

ClinVar aggregate classification (germline): Uncertain significance (1 of 4 stars; one submission).

Submission:

GeneDx
Classification: Uncertain significance. Last evaluated: 2024-07-27. Review status: criteria provided, single submitter. Criteria: GeneDx Variant Classification Process June 2021. Collection method: clinical testing. Allele origin: germline. Affected: yes.
Comment: Not observed at significant frequency in large population cohorts (gnomAD); Missense variants in this gene are a common cause of disease and they are underrepresented in the general population; In silico analysis supports that this missense variant has a deleterious effect on protein structure/function; Has not been previously published as pathogenic or benign to our knowledge

NM_030662.4(MAP2K2):c.833T>C (p.Ile278Thr)

Gene: MAP2K2 (mitogen-activated protein kinase kinase 2; minus strand). Cytogenetic location: 19p13.3.
Variant type: single nucleotide variant.
Coding change: c.833T>C on transcript NM_030662.4 (MANE Select); coding-DNA position 833, T replaced by C.
Protein change: p.Ile278Thr; replaces isoleucine 278 with threonine.
Molecular consequence: missense variant.
Genome position (GRCh38, 1-based): chr19:4,099,287, A>G on the plus strand (T>C on the coding strand, the complement: MAP2K2 is on the minus strand). VCF-style: chr19-4099287-A-G. GRCh37 (hg19) VCF-style: chr19-4099285-A-G.
Other names: short protein forms I278T.
Identifiers: ClinVar variation 3603126 (VCV003603126.1).